The following is an entry in ClinVar:

ClinVar aggregate classification (germline): Uncertain significance (1 of 4 stars; one submission).

Conditions:
Retinoblastoma (RB1). Also called: RETINOBLASTOMA, SOMATIC. Identifiers: Orphanet 790, MedGen C0035335, MeSH D012175, MONDO:0008380, OMIM 180200, HP:0009919. Disease mechanism: loss of function. Inheritance: Both sporadic and heritable forms are tested..

Submission:

Labcorp Genetics (formerly Invitae), Labcorp
Classification: Uncertain significance for Retinoblastoma. Last evaluated: 2025-05-07. Review status: criteria provided, single submitter. Criteria: Invitae Variant Classification Sherloc (09022015). Collection method: clinical testing. Allele origin: germline.
Comment: This sequence change replaces isoleucine, which is neutral and non-polar, with methionine, which is neutral and non-polar, at codon 768 of the RB1 protein (p.Ile768Met). This variant is not present in population databases (gnomAD no frequency). This variant has not been reported in the literature in individuals affected with RB1-related conditions. Invitae Evidence Modeling of protein sequence and biophysical properties (such as structural, functional, and spatial information, amino acid conservation, physicochemical variation, residue mobility, and thermodynamic stability) indicates that this missense variant is expected to disrupt RB1 protein function with a positive predictive value of 80%. In summary, the available evidence is currently insufficient to determine the role of this variant in disease. Therefore, it has been classified as a Variant of Uncertain Significance.

NM_000321.3(RB1):c.2304T>G (p.Ile768Met)

Gene: RB1 (RB transcriptional corepressor 1; plus strand). Cytogenetic location: 13q14.2.
Variant type: single nucleotide variant.
Coding change: c.2304T>G on transcript NM_000321.3 (MANE Select); coding-DNA position 2304, T replaced by G.
Protein change: p.Ile768Met; replaces isoleucine 768 with methionine.
Molecular consequence: missense variant.
Genome position (GRCh38, 1-based): chr13:48,465,090, T>G. VCF-style: chr13-48465090-T-G. GRCh37 (hg19) VCF-style: chr13-49039226-T-G.
Other names: c.2304T>G, p.Ile768Met (NM_001407165.1); short protein forms I768M.
Identifiers: ClinVar variation 4741778 (VCV004741778.1).